The following is an entry in ClinVar:

NM_004817.4(TJP2):c.2646G>A (p.Ala882=)

Gene: TJP2 (tight junction protein 2; plus strand). Cytogenetic location: 9q21.11.
Variant type: single nucleotide variant.
Coding change: c.2646G>A on transcript NM_004817.4 (MANE Select); coding-DNA position 2646, G replaced by A.
Protein change: p.Ala882=; no amino-acid change (alanine 882 retained).
Molecular consequence: synonymous variant.
Genome position (GRCh38, 1-based): chr9:69,246,769, G>A. VCF-style: chr9-69246769-G-A. GRCh37 (hg19) VCF-style: chr9-71861685-G-A.
Other names: p.Ala882=; c.2658G>A, p.Ala886= (NM_001170415.1, NM_001369874.1, NM_001369875.1); c.2739G>A, p.Ala913= (NM_001170416.2); c.2571G>A, p.Ala857= (NM_001369870.1); c.2577G>A, p.Ala859= (NM_001369871.1, NM_001170414.2); c.2646G>A, p.Ala882= (NM_001369872.1, NM_001369873.1, NM_201629.3).
Identifiers: ClinVar variation 44098 (VCV000044098.18), dbSNP rs11788754, ClinGen allele CA133561.

ClinVar aggregate classification (germline): Benign. Review status: criteria provided, multiple submitters, no conflicts (2 of 4 stars). 7 submissions from 7 submitters: Benign (7). Last evaluated 2026-01-26.

Allele frequency attached by ClinVar (database versions not stated): gnomAD exomes 0.01405; ExAC 0.01426; 1000 Genomes Project 30x 0.00640; 1000 Genomes Project 0.00699; gnomAD 0.01323 and 0.01329; TOPMed 0.01324; ESP Exome Variant Server 0.01507.
gnomAD v4.1: 28,266 of 1,614,012 alleles (1.8%); highest among the groups gnomAD compares: Middle Eastern, 2.5%; 304 homozygotes.

Submissions (7):

Labcorp Genetics (formerly Invitae), Labcorp
Classification: Benign. Last evaluated: 2026-01-26. Review status: criteria provided, single submitter. Criteria: Invitae Variant Classification Sherloc (09022015). Collection method: clinical testing. Allele origin: germline.

Mayo Clinic Laboratories, Mayo Clinic
Classification: Benign. Last evaluated: 2021-06-29. Review status: criteria provided, single submitter. Criteria: ACMG Guidelines, 2015. Collection method: clinical testing. Allele origin: germline. Observed: 20 variant alleles.

Athena Diagnostics
Classification: Benign. Last evaluated: 2018-11-19. Review status: criteria provided, single submitter. Criteria: Athena Diagnostics Criteria. Collection method: clinical testing. Allele origin: germline.

GeneDx
Classification: Benign. Last evaluated: 2018-05-07. Review status: criteria provided, single submitter. Criteria: GeneDx Variant Classification Process June 2021. Collection method: clinical testing. Allele origin: germline. Affected: yes.

Laboratory for Molecular Medicine, Mass General Brigham Personalized Medicine
Classification: Benign. Last evaluated: 2012-05-07. Review status: criteria provided, single submitter. Criteria: LMM Criteria. Collection method: clinical testing. Allele origin: germline. Observed: 22 variant alleles.
Comment: "Ala859Ala in Exon 19 of TJP2: This variant is not expected to have clinical sig nificance because it does not alter an amino acid residue, is not located within the splice consensus sequence, and has been identified in 2.1% (145/7020) of Eu ropean American chromosomes from a broad population by the NHLBI Exome Sequencin g Project (dbSNP rs11788754)."

Breakthrough Genomics
Classification: Benign. Review status: criteria provided, single submitter. Criteria: ACMG Guidelines, 2015. Collection method: not provided. Allele origin: germline. Inheritance: Autosomal recessive inheritance. Affected: yes.

PreventionGenetics, part of Exact Sciences
Classification: Benign. Review status: criteria provided, single submitter. Criteria: ACMG Guidelines, 2015. Collection method: clinical testing. Allele origin: germline.